The following is an entry in ClinVar:

ClinVar aggregate classification (germline): Uncertain significance (1 of 4 stars; one submission).

Conditions:
Fanconi anemia (FA). Also called: Fanconi's anemia. Identifiers: Orphanet 84, MedGen C0015625, MeSH D005199, MONDO:0019391.

Submission:

Labcorp Genetics (formerly Invitae), Labcorp
Classification: Uncertain significance for Fanconi anemia. Last evaluated: 2021-02-18. Review status: criteria provided, single submitter. Criteria: Invitae Variant Classification Sherloc (09022015). Collection method: clinical testing. Allele origin: germline.
Comment: This variant is not present in population databases (ExAC no frequency). In summary, the available evidence is currently insufficient to determine the role of this variant in disease. Therefore, it has been classified as a Variant of Uncertain Significance. Algorithms developed to predict the effect of missense changes on protein structure and function are either unavailable or do not agree on the potential impact of this missense change (SIFT: "Deleterious"; PolyPhen-2: "Probably Damaging"; Align-GVGD: "Class C0"). This variant has not been reported in the literature in individuals with SLX4-related conditions. This sequence change replaces histidine with leucine at codon 706 of the SLX4 protein (p.His706Leu). The histidine residue is highly conserved and there is a moderate physicochemical difference between histidine and leucine.

NM_032444.4(SLX4):c.2117A>T (p.His706Leu)

Gene: SLX4 (SLX4 structure-specific endonuclease subunit; minus strand). Cytogenetic location: 16p13.3.
Variant type: single nucleotide variant.
Coding change: c.2117A>T on transcript NM_032444.4 (MANE Select); coding-DNA position 2117, A replaced by T.
Protein change: p.His706Leu; replaces histidine 706 with leucine.
Molecular consequence: missense variant.
Genome position (GRCh38, 1-based): chr16:3,594,496, T>A on the plus strand (A>T on the coding strand, the complement: SLX4 is on the minus strand). VCF-style: chr16-3594496-T-A. GRCh37 (hg19) VCF-style: chr16-3644497-T-A.
Other names: short protein forms H706L.
Identifiers: ClinVar variation 1426190 (VCV001426190.8), dbSNP rs2151128459, ClinGen allele CA394526029.